The following is an entry in ClinVar:

ClinVar aggregate classification (germline): Likely pathogenic (1 of 4 stars; one submission).

Conditions:
RYR1-related disorder. Also called: RYR1-related condition; RYR1-related disorders. Identifiers: MedGen CN239331.

Submission:

Labcorp Genetics (formerly Invitae), Labcorp
Classification: Likely pathogenic for RYR1-related disorder. Last evaluated: 2025-12-17. Review status: criteria provided, single submitter. Criteria: Invitae Variant Classification Sherloc (09022015). Collection method: clinical testing. Allele origin: germline.
Comment: This sequence change replaces glutamine, which is neutral and polar, with arginine, which is basic and polar, at codon 3899 of the RYR1 protein (p.Gln3899Arg). This variant is not present in population databases (gnomAD no frequency). This missense change has been observed in individuals with RYR1-related conditions (PMID: 33333461; internal data). Invitae Evidence Modeling of protein sequence and biophysical properties (such as structural, functional, and spatial information, amino acid conservation, physicochemical variation, residue mobility, and thermodynamic stability) indicates that this missense variant is expected to disrupt RYR1 protein function with a positive predictive value of 80%. This variant disrupts the p.Gln3899 amino acid residue in RYR1. Other variant(s) that disrupt this residue have been determined to be pathogenic (internal data). This suggests that this residue is clinically significant, and that variants that disrupt this residue are likely to be disease-causing. In summary, the currently available evidence indicates that the variant is pathogenic, but additional data are needed to prove that conclusively. Therefore, this variant has been classified as Likely Pathogenic.

Literature cited by the submitters: PubMed 33333461.

NM_000540.3(RYR1):c.11696A>G (p.Gln3899Arg)

Gene: RYR1 (ryanodine receptor 1; plus strand). Cytogenetic location: 19q13.2.
Variant type: single nucleotide variant.
Coding change: c.11696A>G on transcript NM_000540.3 (MANE Select); coding-DNA position 11696, A replaced by G.
Protein change: p.Gln3899Arg; replaces glutamine 3899 with arginine.
Molecular consequence: missense variant.
Genome position (GRCh38, 1-based): chr19:38,543,353, A>G. VCF-style: chr19-38543353-A-G. GRCh37 (hg19) VCF-style: chr19-39033993-A-G.
Other names: c.11681A>G, p.Gln3894Arg (NM_001042723.2); short protein forms Q3899R, Q3894R.
Identifiers: ClinVar variation 4763900 (VCV004763900.1).